The following is an entry in ClinVar:

NM_080473.5(GATA5):c.1124C>G (p.Ala375Gly)

Gene: GATA5 (GATA binding protein 5; minus strand). Cytogenetic location: 20q13.33.
Variant type: single nucleotide variant.
Coding change: c.1124C>G on transcript NM_080473.5 (MANE Select); coding-DNA position 1124, C replaced by G.
Protein change: p.Ala375Gly; replaces alanine 375 with glycine.
Molecular consequence: missense variant.
Genome position (GRCh38, 1-based): chr20:62,464,906, G>C on the plus strand (C>G on the coding strand, the complement: GATA5 is on the minus strand). VCF-style: chr20-62464906-G-C. GRCh37 (hg19) VCF-style: chr20-61039962-G-C.
Other names: short protein forms A375G.
Identifiers: ClinVar variation 1321068 (VCV001321068.8), dbSNP rs782645578, ClinGen allele CA9946030.
Genomic context (GRCh38, chr20:62,464,906, plus strand): 5'-GCCAGCGCACACCAGGCCTCTTGGCGCAGAGCCCCCCTGAGGCCAGCCTGGGGGCTTGGG[G>C]CCGTGGAGGGGAAGGCAAAGTCCTCAGGCTCGAACTTGAACTCCAAGTGGCCGGGGGCAA-3'
Protein context (NP_536721.1, residues 365-385): EPEDFAFPST[Ala375Gly]PSPQAGLRGA

ClinVar aggregate classification (germline): Uncertain significance. Review status: criteria provided, multiple submitters, no conflicts (2 of 4 stars). 3 submissions from 3 submitters: Uncertain significance (3). Last evaluated 2026-02-01.

Allele frequency attached by ClinVar (database versions not stated): gnomAD 0.00001; ExAC 0.00002; gnomAD exomes below 0.00001; TOPMed 0.00001.
gnomAD v4.1: 14 of 1,611,232 alleles (0.00087%); highest among the groups gnomAD compares: Non-Finnish European, 0.0012%; no homozygotes.

Submissions (3):

Labcorp Genetics (formerly Invitae), Labcorp
Classification: Uncertain significance. Last evaluated: 2026-02-01. Review status: criteria provided, single submitter. Criteria: Invitae Variant Classification Sherloc (09022015). Collection method: clinical testing. Allele origin: germline.
Comment: This sequence change replaces alanine, which is neutral and non-polar, with glycine, which is neutral and non-polar, at codon 375 of the GATA5 protein (p.Ala375Gly). This variant is present in population databases (rs782645578, gnomAD 0.002%). This variant has not been reported in the literature in individuals affected with GATA5-related conditions. ClinVar contains an entry for this variant (Variation ID: 1321068). An algorithm developed to predict the effect of missense changes on protein structure and function (PolyPhen-2) suggests that this variant is likely to be tolerated. In summary, the available evidence is currently insufficient to determine the role of this variant in disease. Therefore, it has been classified as a Variant of Uncertain Significance.

GeneDx
Classification: Uncertain significance. Last evaluated: 2024-07-03. Review status: criteria provided, single submitter. Criteria: GeneDx Variant Classification Process June 2021. Collection method: clinical testing. Allele origin: germline. Affected: yes.
Comment: Has not been previously published as pathogenic or benign to our knowledge; Not observed at significant frequency in large population cohorts (gnomAD); In silico analysis indicates that this missense variant does not alter protein structure/function

Ambry Genetics
Classification: Uncertain significance. Last evaluated: 2022-04-25. Review status: criteria provided, single submitter. Criteria: Ambry Variant Classification Scheme 2023. Collection method: clinical testing. Allele origin: germline.